The following is an entry in ClinVar:

ClinVar aggregate classification (germline): Benign. Review status: criteria provided, multiple submitters, no conflicts (2 of 4 stars). 12 submissions from 12 submitters: Benign (11). 1 of the submissions does not count toward it. Last evaluated 2026-02-04.

Conditions:
Inborn genetic diseases. Identifiers: MedGen C0950123, MeSH D030342.
Pyridoxal phosphate-responsive seizures (PNPOD). Also called: Pyridoxamine 5-Prime-Phosphate Oxidase Deficiency; Pyridoxal 5'-Phosphate (PLP)-Dependent Epilepsy; EPILEPTIC ENCEPHALOPATHY, NEONATAL, PNPO-RELATED; SEIZURES, PYRIDOXINE-RESISTANT, PLP-SENSITIVE; Pyridoxine-5'-phosphate oxidase deficiency. Identifiers: Orphanet 79096, MedGen C1864723, MONDO:0012407, OMIM 610090. Disease mechanism: loss of function.

Allele frequency attached by ClinVar (database versions not stated): ESP Exome Variant Server 0.13832; gnomAD 0.14534 and 0.15054; TOPMed 0.15579; 1000 Genomes Project 0.16254; 1000 Genomes Project 30x 0.16552; ExAC 0.18222; gnomAD exomes 0.18771.

Submissions (12):

Labcorp Genetics (formerly Invitae), Labcorp
Classification: Benign for Pyridoxal phosphate-responsive seizures. Last evaluated: 2026-02-04. Review status: criteria provided, single submitter. Criteria: Invitae Variant Classification Sherloc (09022015). Collection method: clinical testing. Allele origin: germline.

Blueprint Genetics
Classification: Benign. Last evaluated: 2024-11-28. Review status: criteria provided, single submitter. Criteria: ACMG Guidelines, 2015. Collection method: clinical testing. Allele origin: germline.

Unidad de Genómica Garrahan, Hospital de Pediatría Garrahan
Classification: Benign. Last evaluated: 2024-07-15. Review status: criteria provided, single submitter. Criteria: ACMG Guidelines, 2015. Collection method: clinical testing. Allele origin: germline. Affected: no. Observed: 33 variant alleles.
Comment: This variant is classified as Benign based on local population frequency. This variant was detected in 35% of patients studied in a panel designed for Epileptic and Developmental Encephalopathy and Progressive Myoclonus Epilepsy. Number of patients: 33. Only high quality variants are reported.

Genome-Nilou Lab
Classification: Benign for Pyridoxal phosphate-responsive seizures. Last evaluated: 2021-10-25. Review status: criteria provided, single submitter. Criteria: ACMG Guidelines, 2015. Collection method: clinical testing. Allele origin: germline. Affected: no.

Mayo Clinic Laboratories, Mayo Clinic
Classification: Benign. Last evaluated: 2018-04-02. Review status: criteria provided, single submitter. Criteria: ACMG Guidelines, 2015. Collection method: clinical testing. Allele origin: germline. Observed: 203 variant alleles.

Illumina Laboratory Services, Illumina
Classification: Benign for Pyridoxal phosphate-responsive seizures. Last evaluated: 2018-01-13. Review status: criteria provided, single submitter. Criteria: ICSL Variant Classification Criteria 13 December 2019. Collection method: clinical testing. Allele origin: germline.
Comment: This variant was observed in the ICSL laboratory as part of a predisposition screen in an ostensibly healthy population. It had not been previously curated by ICSL or reported in the Human Gene Mutation Database (HGMD: prior to June 1st, 2018), and was therefore a candidate for classification through an automated scoring system. Utilizing variant allele frequency, disease prevalence and penetrance estimates, and inheritance mode, an automated score was calculated to assess if this variant is too frequent to cause the disease. Based on the score and internal cut-off values, a variant classified as benign is not then subjected to further curation. The score for this variant resulted in a classification of benign for this disease.

Athena Diagnostics
Classification: Benign. Last evaluated: 2017-04-20. Review status: criteria provided, single submitter. Criteria: Athena Diagnostics Criteria. Collection method: clinical testing. Allele origin: germline.

Ambry Genetics
Classification: Benign for Inborn genetic diseases. Last evaluated: 2016-01-08. Review status: criteria provided, single submitter. Criteria: Ambry Variant Classification Scheme 2023. Collection method: clinical testing. Allele origin: germline.

GeneDx
Classification: Benign. Last evaluated: 2015-03-03. Review status: criteria provided, single submitter. Criteria: GeneDx Variant Classification Process June 2021. Collection method: clinical testing. Allele origin: germline. Affected: yes.

Breakthrough Genomics
Classification: Benign. Review status: criteria provided, single submitter. Criteria: ACMG Guidelines, 2015. Collection method: not provided. Allele origin: germline. Inheritance: Autosomal recessive inheritance. Affected: yes.

PreventionGenetics, part of Exact Sciences
Classification: Benign. Review status: criteria provided, single submitter. Criteria: ACMG Guidelines, 2015. Collection method: clinical testing. Allele origin: germline.

Genetic Services Laboratory, University of Chicago
Classification: Likely benign for AllHighlyPenetrant. Review status: no assertion criteria provided. Collection method: clinical testing. Allele origin: germline. Inheritance: Autosomal recessive inheritance. Not counted in ClinVar's aggregate classification.
Comment: Likely benign based on allele frequency in 1000 Genomes Project or ESP global frequency and its presence in a patient with a rare or unrelated disease phenotype. NOT Sanger confirmed.

NM_018129.4(PNPO):c.165C>T (p.Ser55=)

Gene: PNPO (pyridoxamine 5'-phosphate oxidase; plus strand). Cytogenetic location: 17q21.32.
Variant type: single nucleotide variant.
Coding change: c.165C>T on transcript NM_018129.4 (MANE Select); coding-DNA position 165, C replaced by T.
Protein change: p.Ser55=; no amino-acid change (serine 55 retained).
Molecular consequence: synonymous variant.
Genome position (GRCh38, 1-based): chr17:47,943,332, C>T. VCF-style: chr17-47943332-C-T. GRCh37 (hg19) VCF-style: chr17-46020698-C-T.
Other names: p.Ser55=.
Identifiers: ClinVar variation 129980 (VCV000129980.33), dbSNP rs11079804, ClinGen allele CA154712.